The following is an entry in ClinVar:

ClinVar aggregate classification (germline): Uncertain significance. Review status: criteria provided, multiple submitters, no conflicts (2 of 4 stars). 3 submissions from 3 submitters: Uncertain significance (3). Last evaluated 2026-02-05.

gnomAD v4.1: 26 of 1,613,712 alleles (0.0016%); highest among the groups gnomAD compares: Non-Finnish European, 0.0019%; no homozygotes.

Submissions (3):

Women's Health and Genetics/Laboratory Corporation of America, LabCorp
Classification: Uncertain significance. Last evaluated: 2026-02-05. Review status: criteria provided, single submitter. Criteria: LabCorp Variant Classification Summary - May 2015. Collection method: clinical testing. Allele origin: germline.
Comment: Variant summary: RNF31 c.1501G>A (p.Ala501Thr) results in a non-conservative amino acid change in the encoded protein sequence. Algorithms developed to predict the effect of missense changes on protein structure and function are either unavailable or do not agree on the potential impact of this missense change. The variant allele was found at a frequency of 4e-06 in 247788 control chromosomes. The available data on variant occurrences in the general population are insufficient to allow any conclusion about variant significance. To our knowledge, no occurrence of c.1501G>A in individuals affected with RNF31-related conditions and no experimental evidence demonstrating its impact on protein function have been reported. ClinVar contains an entry for this variant (Variation ID: 1471224). Based on the evidence outlined above, the variant was classified as uncertain significance.

Ambry Genetics
Classification: Uncertain significance. Last evaluated: 2025-08-26. Review status: criteria provided, single submitter. Criteria: Ambry Variant Classification Scheme 2023. Collection method: clinical testing. Allele origin: germline.

Labcorp Genetics (formerly Invitae), Labcorp
Classification: Uncertain significance. Last evaluated: 2025-07-20. Review status: criteria provided, single submitter. Criteria: Invitae Variant Classification Sherloc (09022015). Collection method: clinical testing. Allele origin: germline.
Comment: This sequence change replaces alanine, which is neutral and non-polar, with threonine, which is neutral and polar, at codon 501 of the RNF31 protein (p.Ala501Thr). The frequency data for this variant in the population databases is considered unreliable, as metrics indicate poor data quality at this position in the gnomAD database. This variant has not been reported in the literature in individuals affected with RNF31-related conditions. ClinVar contains an entry for this variant (Variation ID: 1471224). An algorithm developed to predict the effect of missense changes on protein structure and function (PolyPhen-2) suggests that this variant is likely to be tolerated. In summary, the available evidence is currently insufficient to determine the role of this variant in disease. Therefore, it has been classified as a Variant of Uncertain Significance.

NM_017999.5(RNF31):c.1501G>A (p.Ala501Thr)

Gene: RNF31 (ring finger protein 31; plus strand). Cytogenetic location: 14q12.
Variant type: single nucleotide variant.
Coding change: c.1501G>A on transcript NM_017999.5 (MANE Select); coding-DNA position 1501, G replaced by A.
Protein change: p.Ala501Thr; replaces alanine 501 with threonine.
Molecular consequence: missense variant.
Genome position (GRCh38, 1-based): chr14:24,151,143, G>A. VCF-style: chr14-24151143-G-A. GRCh37 (hg19) VCF-style: chr14-24620352-G-A.
Other names: c.1048G>A, p.Ala350Thr (NM_001310332.2); c.1501G>A (NM_017999.4); short protein forms A350T, A501T.
Identifiers: ClinVar variation 1471224 (VCV001471224.10), dbSNP rs370934256, ClinGen allele CA7125811.